The following is an entry in ClinVar:

ClinVar aggregate classification (germline): Uncertain significance (0 of 4 stars; one submission).

Conditions:
PCNT-related disorder. Also called: PCNT-related condition.

Submission:

PreventionGenetics, part of Exact Sciences
Classification: Uncertain significance for PCNT-related condition. Last evaluated: 2024-08-07. Review status: no assertion criteria provided. Collection method: clinical testing. Allele origin: germline.
Comment: The PCNT c.5266A>T variant is predicted to result in the amino acid substitution p.Met1756Leu. To our knowledge, this variant has not been reported in the literature or in a large population database, indicating this variant is rare. At this time, the clinical significance of this variant is uncertain due to the absence of conclusive functional and genetic evidence.

NM_006031.6(PCNT):c.5266A>T (p.Met1756Leu)

Gene: PCNT (pericentrin; plus strand). Cytogenetic location: 21q22.3.
Variant type: single nucleotide variant.
Coding change: c.5266A>T on transcript NM_006031.6 (MANE Select); coding-DNA position 5266, A replaced by T.
Protein change: p.Met1756Leu; replaces methionine 1756 with leucine.
Molecular consequence: missense variant.
Genome position (GRCh38, 1-based): chr21:46,411,339, A>T. VCF-style: chr21-46411339-A-T. GRCh37 (hg19) VCF-style: chr21-47831253-A-T.
Other names: c.4912A>T, p.Met1638Leu (NM_001315529.2); short protein forms M1638L, M1756L.
Identifiers: ClinVar variation 3347854 (VCV003347854.1).